The following is an entry in ClinVar:

NM_001243133.2(NLRP3):c.1513C>A (p.Leu505Met)

Gene: NLRP3 (NLR family pyrin domain containing 3; plus strand). Cytogenetic location: 1q44.
Variant type: single nucleotide variant.
Coding change: c.1513C>A on transcript NM_001243133.2 (MANE Select); coding-DNA position 1513, C replaced by A.
Protein change: p.Leu505Met; replaces leucine 505 with methionine.
Molecular consequence: missense variant.
Genome position (GRCh38, 1-based): chr1:247,424,962, C>A. VCF-style: chr1-247424962-C-A. GRCh37 (hg19) VCF-style: chr1-247588264-C-A.
Other names: c.1513C>A, p.Leu505Met (NM_001079821.3, NM_001127461.3, NM_001127462.3 and 1 more transcripts); c.1519C>A, p.Leu507Met (NM_004895.5); short protein forms L507M, L505M.
Identifiers: ClinVar variation 2739946 (VCV002739946.3), dbSNP rs1396885148, ClinGen allele CA345557055.

ClinVar aggregate classification (germline): Uncertain significance (1 of 4 stars; one submission).

Conditions:
Cryopyrin associated periodic syndrome (CAPS). Identifiers: Orphanet 208650, MedGen C2316212, MONDO:0016168.

Submission:

Labcorp Genetics (formerly Invitae), Labcorp
Classification: Uncertain significance for Cryopyrin associated periodic syndrome. Last evaluated: 2023-08-09. Review status: criteria provided, single submitter. Criteria: Invitae Variant Classification Sherloc (09022015). Collection method: clinical testing. Allele origin: germline.
Comment: In summary, the available evidence is currently insufficient to determine the role of this variant in disease. Therefore, it has been classified as a Variant of Uncertain Significance. Advanced modeling of protein sequence and biophysical properties (such as structural, functional, and spatial information, amino acid conservation, physicochemical variation, residue mobility, and thermodynamic stability) has been performed at Invitae for this missense variant, however the output from this modeling did not meet the statistical confidence thresholds required to predict the impact of this variant on NLRP3 protein function. This variant has not been reported in the literature in individuals affected with NLRP3-related conditions. This variant is not present in population databases (gnomAD no frequency). This sequence change replaces leucine, which is neutral and non-polar, with methionine, which is neutral and non-polar, at codon 507 of the NLRP3 protein (p.Leu507Met).